The following is an entry in ClinVar:

ClinVar aggregate classification (germline): Uncertain significance (1 of 4 stars; one submission).

Allele frequency attached by ClinVar (database versions not stated): gnomAD exomes below 0.00001; gnomAD 0.00001.
gnomAD v4.1: 2 of 1,611,658 alleles (0.00012%); highest among the groups gnomAD compares: Non-Finnish European, 0.000085%; no homozygotes.

Submission:

Labcorp Genetics (formerly Invitae), Labcorp
Classification: Uncertain significance. Last evaluated: 2022-08-09. Review status: criteria provided, single submitter. Criteria: Invitae Variant Classification Sherloc (09022015). Collection method: clinical testing. Allele origin: germline.
Comment: This variant is not present in population databases (gnomAD no frequency). This sequence change replaces glycine, which is neutral and non-polar, with cysteine, which is neutral and slightly polar, at codon 2525 of the SZT2 protein (p.Gly2525Cys). This variant has not been reported in the literature in individuals affected with SZT2-related conditions. Algorithms developed to predict the effect of missense changes on protein structure and function (SIFT, PolyPhen-2, Align-GVGD) all suggest that this variant is likely to be tolerated. ClinVar contains an entry for this variant (Variation ID: 661180). In summary, the available evidence is currently insufficient to determine the role of this variant in disease. Therefore, it has been classified as a Variant of Uncertain Significance. Algorithms developed to predict the effect of sequence changes on RNA splicing suggest that this variant may disrupt the consensus splice site.

NM_001365999.1(SZT2):c.7744G>T (p.Gly2582Cys)

Gene: SZT2 (SZT2 subunit of KICSTOR complex; plus strand). Cytogenetic location: 1p34.2.
Variant type: single nucleotide variant.
Coding change: c.7744G>T on transcript NM_001365999.1 (MANE Select); coding-DNA position 7744, G replaced by T.
Protein change: p.Gly2582Cys; replaces glycine 2582 with cysteine.
Molecular consequence: missense variant.
Genome position (GRCh38, 1-based): chr1:43,442,001, G>T. VCF-style: chr1-43442001-G-T. GRCh37 (hg19) VCF-style: chr1-43907672-G-T.
Other names: c.7573G>T, p.Gly2525Cys (NM_015284.4); short protein forms G2582C, G2525C.
Identifiers: ClinVar variation 661180 (VCV000661180.8), dbSNP rs1307474499, ClinGen allele CA340035987.